The following is an entry in ClinVar:

NM_001903.5(CTNNA1):c.2123G>A (p.Ser708Asn)

Gene: CTNNA1 (catenin alpha 1; plus strand). Cytogenetic location: 5q31.2.
Variant type: single nucleotide variant.
Coding change: c.2123G>A on transcript NM_001903.5 (MANE Select); coding-DNA position 2123, G replaced by A.
Protein change: p.Ser708Asn; replaces serine 708 with asparagine.
Molecular consequence: missense variant.
Genome position (GRCh38, 1-based): chr5:138,930,585, G>A. VCF-style: chr5-138930585-G-A. GRCh37 (hg19) VCF-style: chr5-138266274-G-A.
Other names: c.1013G>A, p.Ser338Asn (NM_001323998.1, NM_001323999.1, NM_001324000.1 and 17 more transcripts); c.674G>A, p.Ser225Asn (NM_001324006.1, NM_001324007.1, NM_001324008.1 and 2 more transcripts); c.2123G>A, p.Ser708Asn (NM_001290307.3, NM_001323982.2, NM_001323983.1 and 2 more transcripts); c.1814G>A, p.Ser605Asn (NM_001290309.3); c.1754G>A, p.Ser585Asn (NM_001290310.3); c.2030G>A, p.Ser677Asn (NM_001323986.2); c.920G>A, p.Ser307Asn (NM_001324011.1); c.770G>A, p.Ser257Asn (NM_001324012.1, NM_001324013.1); and 1 more; short protein forms S225N, S338N, S605N, S585N, S677N, S257N, S307N, S708N.
Identifiers: ClinVar variation 1485044 (VCV001485044.7), dbSNP rs2150334717, ClinGen allele CA361133558.
Genomic context (GRCh38, chr5:138,930,585, plus strand): 5'-TGGCCAGCTTCCAGGAAGAAAAGAGCAAGCTGGATGCTGAAGTGTCCAAATGGGACGACA[G>A]TGGCAATGACATCATTGTGCTGGCCAAGCAGATGTGCATGATTATGATGGAGATGACAGA-3'
Protein context (NP_001894.2, residues 698-718): LDAEVSKWDD[Ser708Asn]GNDIIVLAKQ

ClinVar aggregate classification (germline): Conflicting classifications of pathogenicity. Review status: criteria provided, conflicting classifications (1 of 4 stars). 2 submissions from 2 submitters: Uncertain significance (1); Likely benign (1). Last evaluated 2026-07-07.

Conditions:
Hereditary cancer-predisposing syndrome. Also called: Hereditary Cancer Syndrome; Tumor predisposition; Neoplastic Syndromes, Hereditary; Hereditary neoplastic syndrome. Identifiers: Orphanet 140162, MedGen C0027672, MeSH D009386, MONDO:0015356.

gnomAD v4.1: 3 of 1,614,074 alleles (0.00019%); highest among the groups gnomAD compares: Non-Finnish European, 0.00025%; no homozygotes.

Submissions (2):

Ambry Genetics
Classification: Likely benign for Hereditary cancer-predisposing syndrome. Last evaluated: 2026-07-07. Review status: criteria provided, single submitter. Criteria: Ambry Variant Classification Scheme 2023. Collection method: clinical testing. Allele origin: germline.

Labcorp Genetics (formerly Invitae), Labcorp
Classification: Uncertain significance. Last evaluated: 2024-06-04. Review status: criteria provided, single submitter. Criteria: Invitae Variant Classification Sherloc (09022015). Collection method: clinical testing. Allele origin: germline.
Comment: This sequence change replaces serine, which is neutral and polar, with asparagine, which is neutral and polar, at codon 708 of the CTNNA1 protein (p.Ser708Asn). This variant is not present in population databases (gnomAD no frequency). This variant has not been reported in the literature in individuals affected with CTNNA1-related conditions. ClinVar contains an entry for this variant (Variation ID: 1485044). Advanced modeling of protein sequence and biophysical properties (such as structural, functional, and spatial information, amino acid conservation, physicochemical variation, residue mobility, and thermodynamic stability) performed at Invitae indicates that this missense variant is not expected to disrupt CTNNA1 protein function with a negative predictive value of 80%. In summary, the available evidence is currently insufficient to determine the role of this variant in disease. Therefore, it has been classified as a Variant of Uncertain Significance.